The following is an entry in ClinVar:

ClinVar aggregate classification (germline): Likely pathogenic (1 of 4 stars; one submission).

Conditions:
Intellectual developmental disorder with muscle tone abnormalities and distal skeletal defects (IDDMDS). Identifiers: MedGen C5774199, MONDO:0859277, OMIM 620007.

Submission:

Neuberg Centre For Genomic Medicine, NCGM
Classification: Likely pathogenic for Intellectual developmental disorder with muscle tone abnormalities and distal skeletal defects. Last evaluated: 2023-05-20. Review status: criteria provided, single submitter. Criteria: ACMG Guidelines, 2015. Collection method: clinical testing. Allele origin: germline. Inheritance: Autosomal recessive inheritance. Affected: yes.
Comment: The stop gained c.625C>T (p.Gln209Ter) variant in the LGI3 gene has not been reported previously as a pathogenic variant nor as a benign variant, to our knowledge. The variant is absent in gnomAD Exomes. This variant is predicted to cause loss of normal protein function through protein truncation. Loss of function variants have been previously reported to be disease causing. Computational evidence (MutationTaster - Disease causing) predicts damaging effect on protein structure and function for this variant. The nucleotide change c.625C>T in LGI3 is predicted as conserved by GERP++ and PhyloP across 100 vertebrates. For these reasons, this variant has been classified as Likely Pathogenic.

NM_139278.4(LGI3):c.625C>T (p.Gln209Ter)

Gene: LGI3 (leucine rich repeat LGI family member 3; minus strand). Cytogenetic location: 8p21.3.
Variant type: single nucleotide variant.
Coding change: c.625C>T on transcript NM_139278.4 (MANE Select); coding-DNA position 625, C replaced by T.
Protein change: p.Gln209Ter; replaces glutamine 209 with a stop codon.
Molecular consequence: nonsense.
Genome position (GRCh38, 1-based): chr8:22,151,870, G>A on the plus strand (C>T on the coding strand, the complement: LGI3 is on the minus strand). VCF-style: chr8-22151870-G-A. GRCh37 (hg19) VCF-style: chr8-22009383-G-A.
Other names: short protein forms Q209*.
Identifiers: ClinVar variation 3367082 (VCV003367082.1).